The following is an entry in ClinVar:

ClinVar aggregate classification (germline): Uncertain significance. Review status: criteria provided, multiple submitters, no conflicts (2 of 4 stars). 2 submissions from 2 submitters: Uncertain significance (2). Last evaluated 2024-12-19.

gnomAD v4.1: 2 of 1,613,950 alleles (0.00012%); highest among the groups gnomAD compares: South Asian, 0.0022%; no homozygotes.

Submissions (2):

GeneDx
Classification: Uncertain significance. Last evaluated: 2024-12-19. Review status: criteria provided, single submitter. Criteria: GeneDx Variant Classification Process June 2021. Collection method: clinical testing. Allele origin: germline. Affected: yes.
Comment: Reported as heterozygous by exome sequencing in a patient with congenital adrenal hypoplasia (PMID: 36703223); Not observed at significant frequency in large population cohorts (gnomAD); In silico analysis supports that this missense variant has a deleterious effect on protein structure/function; This variant is associated with the following publications: (PMID: 36703223)

Dubai Health Genomic Medicine Center, Dubai Health
Classification: Uncertain significance. Last evaluated: 2022-12-17. Review status: criteria provided, single submitter. Criteria: ACMG Guidelines, 2015. Collection method: clinical testing. Allele origin: germline. Affected: yes.

NM_182977.3(NNT):c.188A>T (p.Lys63Ile)

Gene: NNT (nicotinamide nucleotide transhydrogenase; plus strand). Cytogenetic location: 5p12.
Variant type: single nucleotide variant.
Coding change: c.188A>T on transcript NM_182977.3 (MANE Select); coding-DNA position 188, A replaced by T.
Protein change: p.Lys63Ile; replaces lysine 63 with isoleucine.
Molecular consequence: missense variant. On other transcripts: intron variant (1).
Genome position (GRCh38, 1-based): chr5:43,612,944, A>T. VCF-style: chr5-43612944-A-T. GRCh37 (hg19) VCF-style: chr5-43613046-A-T.
Other names: c.188A>T, p.Lys63Ile (NM_012343.4); c.-12-2904A>T (NM_001331026.2); c.188A>T (NM_012343.3); short protein forms K63I.
Identifiers: ClinVar variation 1809628 (VCV001809628.3), dbSNP rs35201656, ClinGen allele CA3257667.